The following is an entry in ClinVar:

NM_000214.3(JAG1):c.1083G>T (p.Glu361Asp)

Gene: JAG1 (jagged canonical Notch ligand 1; minus strand). Cytogenetic location: 20p12.2.
Variant type: single nucleotide variant.
Coding change: c.1083G>T on transcript NM_000214.3 (MANE Select); coding-DNA position 1083, G replaced by T.
Protein change: p.Glu361Asp; replaces glutamic acid 361 with aspartic acid.
Molecular consequence: missense variant.
Genome position (GRCh38, 1-based): chr20:10,651,618, C>A on the plus strand (G>T on the coding strand, the complement: JAG1 is on the minus strand). VCF-style: chr20-10651618-C-A. GRCh37 (hg19) VCF-style: chr20-10632266-C-A.
Other names: short protein forms E361D.
Identifiers: ClinVar variation 1952203 (VCV001952203.5), dbSNP rs753419479, ClinGen allele CA408238711.

ClinVar aggregate classification (germline): Uncertain significance (1 of 4 stars; one submission).

Conditions:
Alagille syndrome due to a JAG1 point mutation. Also called: JAG1-Related Alagille Syndrome; Alagille Syndrome 1; HEPATIC DUCTULAR HYPOPLASIA, SYNDROMATIC. Identifiers: Orphanet 261619, Orphanet 52, MedGen C1956125, MONDO:0016862, OMIM 118450.

Submission:

Labcorp Genetics (formerly Invitae), Labcorp
Classification: Uncertain significance for Alagille syndrome due to a JAG1 point mutation. Last evaluated: 2025-09-02. Review status: criteria provided, single submitter. Criteria: Invitae Variant Classification Sherloc (09022015). Collection method: clinical testing. Allele origin: germline.
Comment: This sequence change replaces glutamic acid, which is acidic and polar, with aspartic acid, which is acidic and polar, at codon 361 of the JAG1 protein (p.Glu361Asp). This variant is not present in population databases (gnomAD no frequency). This variant has not been reported in the literature in individuals affected with JAG1-related conditions. ClinVar contains an entry for this variant (Variation ID: 1952203). Invitae Evidence Modeling of protein sequence and biophysical properties (such as structural, functional, and spatial information, amino acid conservation, physicochemical variation, residue mobility, and thermodynamic stability) indicates that this missense variant is not expected to disrupt JAG1 protein function with a negative predictive value of 95%. In summary, the available evidence is currently insufficient to determine the role of this variant in disease. Therefore, it has been classified as a Variant of Uncertain Significance.